The following is an entry in ClinVar:

ClinVar aggregate classification (germline): Uncertain significance (1 of 4 stars; one submission).

Conditions:
Norman-Roberts syndrome (LIS2). Also called: Lissencephaly 2 (Norman-Roberts type). Identifiers: Orphanet 89844, MedGen C0796089, MONDO:0009760, OMIM 257320.
Familial temporal lobe epilepsy 7. Identifiers: Orphanet 101046, MedGen C4225327, MONDO:0014639, OMIM 616436.

gnomAD v4.1: 1 of 1,614,156 alleles (0.000062%); highest among the groups gnomAD compares: Admixed American, 0.0017%; no homozygotes.

Submission:

Labcorp Genetics (formerly Invitae), Labcorp
Classification: Uncertain significance for Familial temporal lobe epilepsy 7; Norman-Roberts syndrome. Last evaluated: 2022-07-06. Review status: criteria provided, single submitter. Criteria: Invitae Variant Classification Sherloc (09022015). Collection method: clinical testing. Allele origin: germline.
Comment: In summary, the available evidence is currently insufficient to determine the role of this variant in disease. Therefore, it has been classified as a Variant of Uncertain Significance. Algorithms developed to predict the effect of missense changes on protein structure and function are either unavailable or do not agree on the potential impact of this missense change (SIFT: "Deleterious"; PolyPhen-2: "Probably Damaging"; Align-GVGD: "Class C0"). ClinVar contains an entry for this variant (Variation ID: 1381153). This variant has not been reported in the literature in individuals affected with RELN-related conditions. This variant is not present in population databases (gnomAD no frequency). This sequence change replaces leucine, which is neutral and non-polar, with valine, which is neutral and non-polar, at codon 3403 of the RELN protein (p.Leu3403Val).

NM_005045.4(RELN):c.10207C>G (p.Leu3403Val)

Genes: SLC26A5-AS1 (SLC26A5 antisense RNA 1; plus strand), RELN (reelin; minus strand). Cytogenetic location: 7q22.1.
Variant type: single nucleotide variant.
Coding change: c.10207C>G on transcript NM_005045.4 (MANE Select); coding-DNA position 10207, C replaced by G.
Protein change: p.Leu3403Val; replaces leucine 3403 with valine.
Molecular consequence: missense variant.
Genome position (GRCh38, 1-based): chr7:103,482,946, G>C on the plus strand (C>G on the coding strand, the complement: RELN is on the minus strand). VCF-style: chr7-103482946-G-C. GRCh37 (hg19) VCF-style: chr7-103123393-G-C.
Other names: c.10207C>G, p.Leu3403Val (NM_173054.3); short protein forms L3403V.
Identifiers: ClinVar variation 1381153 (VCV001381153.6), dbSNP rs2116975944, ClinGen allele CA368737845.